The following is an entry in ClinVar:

NM_032119.4(ADGRV1):c.743C>T (p.Ser248Phe)

Gene: ADGRV1 (adhesion G protein-coupled receptor V1; plus strand). Cytogenetic location: 5q14.3.
Variant type: single nucleotide variant.
Coding change: c.743C>T on transcript NM_032119.4 (MANE Select); coding-DNA position 743, C replaced by T.
Protein change: p.Ser248Phe; replaces serine 248 with phenylalanine.
Molecular consequence: missense variant. On other transcripts: non-coding transcript variant (1).
Genome position (GRCh38, 1-based): chr5:90,627,281, C>T. VCF-style: chr5-90627281-C-T. GRCh37 (hg19) VCF-style: chr5-89923098-C-T.
Other names: short protein forms S248F.
Identifiers: ClinVar variation 2104258 (VCV002104258.4), dbSNP rs2531808407, ClinGen allele CA360365639.

ClinVar aggregate classification (germline): Uncertain significance (1 of 4 stars; one submission).

Submission:

Labcorp Genetics (formerly Invitae), Labcorp
Classification: Uncertain significance. Last evaluated: 2022-02-28. Review status: criteria provided, single submitter. Criteria: Invitae Variant Classification Sherloc (09022015). Collection method: clinical testing. Allele origin: germline.
Comment: This sequence change replaces serine, which is neutral and polar, with phenylalanine, which is neutral and non-polar, at codon 248 of the ADGRV1 protein (p.Ser248Phe). This variant is not present in population databases (gnomAD no frequency). This variant has not been reported in the literature in individuals affected with ADGRV1-related conditions. Algorithms developed to predict the effect of missense changes on protein structure and function are either unavailable or do not agree on the potential impact of this missense change (SIFT: "Deleterious"; PolyPhen-2: "Possibly Damaging"; Align-GVGD: "Class C0"). In summary, the available evidence is currently insufficient to determine the role of this variant in disease. Therefore, it has been classified as a Variant of Uncertain Significance.